The following is an entry in ClinVar:

NM_001199107.2(TBC1D24):c.446C>T (p.Ala149Val)

Gene: TBC1D24 (TBC1 domain family member 24; plus strand). Cytogenetic location: 16p13.3.
Variant type: single nucleotide variant.
Coding change: c.446C>T on transcript NM_001199107.2 (MANE Select); coding-DNA position 446, C replaced by T.
Protein change: p.Ala149Val; replaces alanine 149 with valine.
Molecular consequence: missense variant.
Genome position (GRCh38, 1-based): chr16:2,496,594, C>T. VCF-style: chr16-2496594-C-T. GRCh37 (hg19) VCF-style: chr16-2546595-C-T.
Other names: c.446C>T, p.Ala149Val (NM_020705.3); short protein forms A149V.
Identifiers: ClinVar variation 1056464 (VCV001056464.9), dbSNP rs2065742678, ClinGen allele CA394376039.
Genomic context (GRCh38, chr16:2,496,594, plus strand): 5'-CCTTCTGCCCCGCCCTGCCGGCCGTGGTGGCCCTGCTGCTGCACTACAGCATCGACGAGG[C>T]CGAGTGCTTCGAGAAGGCCTGCCGCATCCTGGCCTGCAATGACCCCGGCAGGAGGCTGAT-3'
Protein context (NP_001186036.1, residues 139-159): ALLLHYSIDE[Ala149Val]ECFEKACRIL

ClinVar aggregate classification (germline): Uncertain significance (1 of 4 stars; one submission).

Conditions:
Developmental and epileptic encephalopathy, 1 (DEE1). Also called: X-linked infantile spasms; West's syndrome; Tonic spasms with clustering, arrest of psychomotor development and hypsarrhythmia on EEG; X-Linked Infantile Spasm Syndrome; OHTAHARA SYNDROME, X-LINKED; Epileptic encephalopathy, early infantile, 1. Identifiers: MedGen C3463992, MONDO:0010632, OMIM 308350. Disease mechanism: loss of function.
Autosomal dominant nonsyndromic hearing loss 65. Also called: Deafness, autosomal dominant 65; TBC1D24-Related Autosomal Dominant Nonsyndromic Hearing Loss (DFNA). Identifiers: Orphanet 90635, MedGen C3892048, MONDO:0014470, OMIM 616044.

Submission:

Labcorp Genetics (formerly Invitae), Labcorp
Classification: Uncertain significance for Developmental and epileptic encephalopathy, 1; Autosomal dominant nonsyndromic hearing loss 65. Last evaluated: 2020-06-21. Review status: criteria provided, single submitter. Criteria: Invitae Variant Classification Sherloc (09022015). Collection method: clinical testing. Allele origin: germline.
Comment: In summary, the available evidence is currently insufficient to determine the role of this variant in disease. Therefore, it has been classified as a Variant of Uncertain Significance. Algorithms developed to predict the effect of missense changes on protein structure and function are either unavailable or do not agree on the potential impact of this missense change (SIFT: "Deleterious"; PolyPhen-2: "Probably Damaging"; Align-GVGD: "Class C0"). This variant has not been reported in the literature in individuals with TBC1D24-related conditions. This variant is not present in population databases (ExAC no frequency). This sequence change replaces alanine with valine at codon 149 of the TBC1D24 protein (p.Ala149Val). The alanine residue is highly conserved and there is a small physicochemical difference between alanine and valine.